The following is an entry in ClinVar:

NM_001042492.3(NF1):c.690_691insAAGCTACTCGGGAGGCTGAGGCAGGAGAATGGCGTGAACCCGGGAGGCGGAGCTTGCAGTGAGCCGAGATCGCGNNNNNNNNNNAAAAAAAAAAAAAAAAAAAAAGAAAATTATCCAGATGAA (p.Glu230_Phe231insLysLeuLeuGlyArgLeuArgGlnGluAsnGlyValAsnProGlyGlyGlyAlaCysSerGluProArgSerArgXaaXaaXaaLysLysLysLysLysLysLysGluAsnTyrProAspGlu)

Gene: NF1 (neurofibromin 1; plus strand). Cytogenetic location: 17q11.2.
Variant type: Insertion.
Coding change: c.690_691insAAGCTACTCGGGAGGCTGAGGCAGGAGAATGGCGTGAACCCGGGAGGCGGAGCTTGCAGTGAGCCGAGATCGCGNNNNNNNNNNAAAAAAAAAAAAAAAAAAAAAGAAAATTATCCAGATGAA on transcript NM_001042492.3 (MANE Select); coding-DNA positions 690 to 691, AAGCTACTCGGGAGGCTGAGGCAGGAGAATGGCGTGAACCCGGGAGGCGGAGCTTGCAGTGAGCCGAGATCGCGNNNNNNNNNNAAAAAAAAAAAAAAAAAAAAAGAAAATTATCCAGATGAA inserted.
Protein change: p.Glu230_Phe231insLysLeuLeuGlyArgLeuArgGlnGluAsnGlyValAsnProGlyGlyGlyAlaCysSerGluProArgSerArgXaaXaaXaaLysLysLysLysLysLysLysGluAsnTyrProAspGlu.
Molecular consequence: inframe insertion. On other transcripts: inframe indel (1).
Genome position: GRCh38: chr17:31,181,745-31,181,746. GRCh37 (hg19): chr17:29,508,763-29,508,764.
Other names: c.690_691insAAGCTACTCGGGAGGCTGAGGCAGGAGAATGGCGTGAACCCGGGAGGCGGAGCTTGCAGTGAGCCGAGATCGCGNNNNNNNNNNAAAAAAAAAAAAAAAAAAAAAGAAAATTATCCAGATGAA, p.Glu230_Phe231insLysLeuLeuGlyArgLeuArgGlnGluAsnGlyValAsnProGlyGlyGlyAlaCysSerGluProArgSerArgXaaXaaXaaLysLysLysLysLysLysLysGluAsnTyrProAspGlu (NM_001128147.3, NM_000267.4).
Identifiers: ClinVar variation 2042320 (VCV002042320.4), dbSNP rs2544749730.

ClinVar aggregate classification (germline): Pathogenic (1 of 4 stars; one submission).

Conditions:
Neurofibromatosis, type 1 (NF1). Also called: Neurofibromatosis, type I; NEUROFIBROMATOSIS, TYPE I, SOMATIC; Peripheral type neurofibromatosis; VON RECKLINGHAUSEN DISEASE. Identifiers: Orphanet 636, MedGen C0027831, MONDO:0018975, OMIM 162200. Disease mechanism: loss of function.

Submission:

Labcorp Genetics (formerly Invitae), Labcorp
Classification: Pathogenic for Neurofibromatosis, type 1. Last evaluated: 2024-12-12. Review status: criteria provided, single submitter. Criteria: Invitae Variant Classification Sherloc (09022015). Collection method: clinical testing. Allele origin: germline.
Comment: This sequence change inserts a large fragment of DNA, likely a transposable element, in exon 7 of the NF1 gene (c.690_691ins?), causing a frameshift at codon 230 (p.Glu230fs). The exact size and sequence of the insertion cannot be determined by the current assay. However, the insertion is expected to result in an absent or disrupted protein product. This variant is not present in population databases (gnomAD no frequency). This variant has not been reported in the literature in individuals affected with NF1-related conditions. Retrotransposon insertions including LINE1 (L1), Alu, and SVA (SINE-VNTR-Alu) have been reported to be disease-causing through disruption of either a coding region or splice site (PMID: 19763152, 20307669, 22406018) and loss-of-function variants in NF1 are known to be pathogenic (PMID: 10712197, 23913538). For these reasons, this variant has been classified as Pathogenic.

Literature cited by the submitters: PubMed 19763152; PubMed 20307669; PubMed 22406018; PubMed 10712197; PubMed 23913538.